The following is an entry in ClinVar:

NM_018972.4(GDAP1):c.445G>T (p.Asp149Tyr)

Gene: GDAP1 (ganglioside induced differentiation associated protein 1; plus strand). Cytogenetic location: 8q21.11.
Variant type: single nucleotide variant.
Coding change: c.445G>T on transcript NM_018972.4 (MANE Select); coding-DNA position 445, G replaced by T.
Protein change: p.Asp149Tyr; replaces aspartic acid 149 with tyrosine.
Molecular consequence: missense variant. On other transcripts: intron variant (1).
Genome position (GRCh38, 1-based): chr8:74,360,271, G>T. VCF-style: chr8-74360271-G-T. GRCh37 (hg19) VCF-style: chr8-75272506-G-T.
Other names: c.241G>T, p.Asp81Tyr (NM_001040875.4); c.118G>T, p.Asp40Tyr (NM_001362929.2, NM_001362932.2); c.445G>T, p.Asp149Tyr (NM_001362931.2); c.311-1613G>T (NM_001362930.2); short protein forms D149Y, D40Y, D81Y.
Identifiers: ClinVar variation 637119 (VCV000637119.6), dbSNP rs1443963090, ClinGen allele CA371548881.

ClinVar aggregate classification (germline): Pathogenic. Review status: criteria provided, single submitter (1 of 4 stars). 3 submissions from 3 submitters: Pathogenic (1). 2 of the submissions do not count toward it. Last evaluated 2022-09-27.

Conditions:
Charcot-Marie-Tooth disease. Also called: Charcot-Marie-Tooth Hereditary Neuropathy; Charcot-Marie-Tooth Neuropathy. Identifiers: Orphanet 166, MedGen C0007959, MONDO:0015626.
Charcot-Marie-Tooth disease type 4A. Also called: Charcot-Marie-Tooth disease, demyelinating, autosomal recessive, type 4a. Identifiers: Orphanet 99948, MedGen C1859198, MONDO:0008961, OMIM 214400.
Charcot-Marie-Tooth disease axonal type 2K (CMT2K). Also called: Charcot-Marie-Tooth disease type 2K; CHARCOT-MARIE-TOOTH DISEASE, AXONAL, AUTOSOMAL RECESSIVE, TYPE 2K; CHARCOT-MARIE-TOOTH NEUROPATHY, AXONAL, TYPE 2K. Identifiers: Orphanet 101097, Orphanet 99944, MedGen C1842983, MONDO:0011916, OMIM 607831.

Allele frequency attached by ClinVar (database versions not stated): gnomAD exomes below 0.00001.
gnomAD v4.1: 1 of 1,614,038 alleles (0.000062%); highest among the groups gnomAD compares: Non-Finnish European, 0.000085%; no homozygotes.

Submissions (3):

Labcorp Genetics (formerly Invitae), Labcorp
Classification: Pathogenic for Charcot-Marie-Tooth disease type 4A. Last evaluated: 2022-09-27. Review status: criteria provided, single submitter. Criteria: Invitae Variant Classification Sherloc (09022015). Collection method: clinical testing. Allele origin: germline.
Comment: For these reasons, this variant has been classified as Pathogenic. Advanced modeling of protein sequence and biophysical properties (such as structural, functional, and spatial information, amino acid conservation, physicochemical variation, residue mobility, and thermodynamic stability) performed at Invitae indicates that this missense variant is not expected to disrupt GDAP1 protein function. ClinVar contains an entry for this variant (Variation ID: 637119). This missense change has been observed in individual(s) with clinical features of GDAP1-related conditions (PMID: 15469949). It has also been observed to segregate with disease in related individuals. This variant is present in population databases (no rsID available, gnomAD 0.0009%). This sequence change replaces aspartic acid, which is acidic and polar, with tyrosine, which is neutral and polar, at codon 149 of the GDAP1 protein (p.Asp149Tyr).

Inherited Neuropathy Consortium Ii, University Of Miami
Classification: Uncertain significance for Charcot-Marie-Tooth disease axonal type 2K. Last evaluated: 2016-01-06. Review status: no assertion criteria provided. Collection method: literature only. Allele origin: germline. Affected: yes. Not counted in ClinVar's aggregate classification.

Inherited Neuropathy Consortium
Classification: Uncertain significance for Charcot-Marie-Tooth disease. Review status: no assertion criteria provided. Collection method: literature only. Allele origin: germline. Affected: yes. Not counted in ClinVar's aggregate classification.

Literature cited by the submitters: PubMed 15469949 (cited by 3 submitters).